The following is an entry in ClinVar:

NM_024642.5(GALNT12):c.1118G>T (p.Arg373Leu)

Gene: GALNT12 (polypeptide N-acetylgalactosaminyltransferase 12; plus strand). Cytogenetic location: 9q22.33.
Variant type: single nucleotide variant.
Coding change: c.1118G>T on transcript NM_024642.5 (MANE Select); coding-DNA position 1118, G replaced by T.
Protein change: p.Arg373Leu; replaces arginine 373 with leucine.
Molecular consequence: missense variant.
Genome position (GRCh38, 1-based): chr9:98,837,054, G>T. VCF-style: chr9-98837054-G-T. GRCh37 (hg19) VCF-style: chr9-101599336-G-T.
Other names: short protein forms R373L.
Identifiers: ClinVar variation 1347249 (VCV001347249.9), dbSNP rs920049418, ClinGen allele CA374219832.
Genomic context (GRCh38, chr9:98,837,054, plus strand): 5'-TGGAAACACACCCATGTTCCCATGTTGGCCATGTTTTCCCCAAGCAAGCTCCCTACTCCC[G>T]CAACAAGGCTCTGGCCAACAGTGTTCGTGCAGCTGAAGTATGGATGGATGAATTTAAAGA-3'
Protein context (NP_078918.3, residues 363-383): HVFPKQAPYS[Arg373Leu]NKALANSVRA

ClinVar aggregate classification (germline): Uncertain significance. Review status: criteria provided, multiple submitters, no conflicts (2 of 4 stars). 2 submissions from 2 submitters: Uncertain significance (2). Last evaluated 2024-02-22.

Conditions:
Colorectal cancer, susceptibility to, 1. Also called: COLORECTAL ADENOMA AND CANCER, SUSCEPTIBILITY TO; COLORECTAL CANCER, SUSCEPTIBILITY TO, ON CHROMOSOME 9. Identifiers: MedGen C1837315, MONDO:0012132, OMIM 608812.

Submissions (2):

Baylor Genetics
Classification: Uncertain significance for Colorectal cancer, susceptibility to, 1. Last evaluated: 2024-02-22. Review status: criteria provided, single submitter. Criteria: ACMG Guidelines, 2015. Collection method: clinical testing. Allele origin: unknown.

Labcorp Genetics (formerly Invitae), Labcorp
Classification: Uncertain significance. Last evaluated: 2021-02-18. Review status: criteria provided, single submitter. Criteria: Invitae Variant Classification Sherloc (09022015). Collection method: clinical testing. Allele origin: germline.
Comment: Algorithms developed to predict the effect of missense changes on protein structure and function are either unavailable or do not agree on the potential impact of this missense change (SIFT: "Tolerated"; PolyPhen-2: "Probably Damaging"; Align-GVGD: "Class C0"). In summary, the available evidence is currently insufficient to determine the role of this variant in disease. Therefore, it has been classified as a Variant of Uncertain Significance. This variant has not been reported in the literature in individuals with GALNT12-related conditions. This variant is not present in population databases (ExAC no frequency). This sequence change replaces arginine with leucine at codon 373 of the GALNT12 protein (p.Arg373Leu). The arginine residue is highly conserved and there is a moderate physicochemical difference between arginine and leucine.